The following is an entry in ClinVar:

ClinVar aggregate classification (germline): Uncertain significance. Review status: criteria provided, multiple submitters, no conflicts (2 of 4 stars). 2 submissions from 2 submitters: Uncertain significance (2). Last evaluated 2021-08-30.

Conditions:
Erythrokeratodermia variabilis et progressiva 6. Identifiers: MedGen C5193144, MONDO:0032801, OMIM 618531.
Progressive familial heart block type IB (PFHB1B). Identifiers: Orphanet 871, MedGen C1970298, MONDO:0011474, OMIM 604559.

Submissions (2):

Fulgent Genetics
Classification: Uncertain significance for Progressive familial heart block type IB; Erythrokeratodermia variabilis et progressiva 6. Last evaluated: 2021-08-30. Review status: criteria provided, single submitter. Criteria: ACMG Guidelines, 2015. Collection method: clinical testing. Allele origin: unknown.

Labcorp Genetics (formerly Invitae), Labcorp
Classification: Uncertain significance for Progressive familial heart block type IB. Last evaluated: 2020-05-11. Review status: criteria provided, single submitter. Criteria: Invitae Variant Classification Sherloc (09022015). Collection method: clinical testing. Allele origin: germline.
Comment: This sequence change replaces leucine with glutamine at codon 972 of the TRPM4 protein (p.Leu972Gln). The leucine residue is moderately conserved and there is a moderate physicochemical difference between leucine and glutamine. Algorithms developed to predict the effect of sequence changes on RNA splicing suggest that this variant may create or strengthen a splice site, but this prediction has not been confirmed by published transcriptional studies. In summary, the available evidence is currently insufficient to determine the role of this variant in disease. Therefore, it has been classified as a Variant of Uncertain Significance. Algorithms developed to predict the effect of missense changes on protein structure and function are either unavailable or do not agree on the potential impact of this missense change (SIFT: "Deleterious"; PolyPhen-2: "Probably Damaging"; Align-GVGD: "Class C0"). This variant is not present in population databases (ExAC no frequency). This variant has not been reported in the literature in individuals with TRPM4-related conditions.

NM_017636.4(TRPM4):c.2915T>A (p.Leu972Gln)

Gene: TRPM4 (transient receptor potential cation channel subfamily M member 4; plus strand). Cytogenetic location: 19q13.33.
Variant type: single nucleotide variant.
Coding change: c.2915T>A on transcript NM_017636.4 (MANE Select); coding-DNA position 2915, T replaced by A.
Protein change: p.Leu972Gln; replaces leucine 972 with glutamine.
Molecular consequence: missense variant.
Genome position (GRCh38, 1-based): chr19:49,200,747, T>A. VCF-style: chr19-49200747-T-A. GRCh37 (hg19) VCF-style: chr19-49704004-T-A.
Other names: c.2480T>A, p.Leu827Gln (NM_001195227.2); c.2570T>A, p.Leu857Gln (NM_001321281.2); c.1307T>A, p.Leu436Gln (NM_001321282.2); c.2393T>A, p.Leu798Gln (NM_001321283.2); c.1853T>A, p.Leu618Gln (NM_001321285.2); short protein forms L436Q, L618Q, L798Q, L827Q, L857Q, L972Q.
Identifiers: ClinVar variation 1059247 (VCV001059247.10), dbSNP rs2145969416, ClinGen allele CA406812145.